The following is an entry in ClinVar:

NM_006885.4(ZFHX3):c.6959A>G (p.Tyr2320Cys)

Genes: ZFHX3 (zinc finger homeobox 3; minus strand), ZFHX3-AS1 (ZFHX3 antisense RNA 1; plus strand). Cytogenetic location: 16q22.2.
Variant type: single nucleotide variant.
Coding change: c.6959A>G on transcript NM_006885.4 (MANE Select); coding-DNA position 6959, A replaced by G.
Protein change: p.Tyr2320Cys; replaces tyrosine 2320 with cysteine.
Molecular consequence: missense variant.
Genome position (GRCh38, 1-based): chr16:72,795,723, T>C on the plus strand (A>G on the coding strand, the complement: ZFHX3 is on the minus strand). VCF-style: chr16-72795723-T-C. GRCh37 (hg19) VCF-style: chr16-72829622-T-C.
Other names: c.4217A>G, p.Tyr1406Cys (NM_001164766.2); c.6959A>G, p.Tyr2320Cys (NM_001386735.1); short protein forms Y1406C, Y2320C.
Identifiers: ClinVar variation 3369181 (VCV003369181.1).

ClinVar aggregate classification (germline): Uncertain significance (1 of 4 stars; one submission).

Submission:

GeneDx
Classification: Uncertain significance. Last evaluated: 2024-02-12. Review status: criteria provided, single submitter. Criteria: GeneDx Variant Classification Process June 2021. Collection method: clinical testing. Allele origin: germline. Affected: yes.
Comment: Not observed at significant frequency in large population cohorts (gnomAD); In silico analysis supports that this missense variant has a deleterious effect on protein structure/function; Has not been previously published as pathogenic or benign to our knowledge; Variants in candidate genes are classified as variants of uncertain significance in accordance with ACMG guidelines (PMID: 25741868)